The following is an entry in ClinVar:

NM_181882.3(PRX):c.2339C>T (p.Pro780Leu)

Gene: PRX (periaxin; minus strand). Cytogenetic location: 19q13.2.
Variant type: single nucleotide variant.
Coding change: c.2339C>T on transcript NM_181882.3 (MANE Select); coding-DNA position 2339, C replaced by T.
Protein change: p.Pro780Leu; replaces proline 780 with leucine.
Molecular consequence: missense variant. On other transcripts: 3 prime UTR variant (1).
Genome position (GRCh38, 1-based): chr19:40,396,013, G>A on the plus strand (C>T on the coding strand, the complement: PRX is on the minus strand). VCF-style: chr19-40396013-G-A. GRCh37 (hg19) VCF-style: chr19-40901920-G-A.
Other names: c.*2544C>T (NM_020956.2); short protein forms P780L.
Identifiers: ClinVar variation 1522499 (VCV001522499.6), dbSNP rs371562775, ClinGen allele CA9444071.
Genomic context (GRCh38, chr19:40,396,013, plus strand): 5'-TTGAAGCCAAATTCCATCCCTTCTGCCTGTTCTGCCTTGGTGGCCTTTAGCTGCACCTCC[G>A]GAGCCCTGGGCAGCTTCACCTCTGGTGCCTTCGGAAGATGCACGTCGGGAACCTTCGGCA-3'
Protein context (NP_870998.2, residues 770-790): KAPEVKLPRA[Pro780Leu]EVQLKATKAE

ClinVar aggregate classification (germline): Uncertain significance (1 of 4 stars; one submission).

Conditions:
Charcot-Marie-Tooth disease type 4. Also called: Charcot-Marie-Tooth disease, type IV; Charcot-Marie-Tooth, Type 4. Identifiers: Orphanet 64749, MedGen C4082197, MONDO:0018995.

Allele frequency attached by ClinVar (database versions not stated): gnomAD 0.00001; gnomAD exomes 0.00001 and 0.00002; ExAC 0.00002; TOPMed 0.00002; ESP Exome Variant Server 0.00008.
gnomAD v4.1: 10 of 1,613,936 alleles (0.00062%); highest among the groups gnomAD compares: South Asian, 0.0044%; no homozygotes.

Submission:

Labcorp Genetics (formerly Invitae), Labcorp
Classification: Uncertain significance for Charcot-Marie-Tooth disease type 4. Last evaluated: 2022-08-23. Review status: criteria provided, single submitter. Criteria: Invitae Variant Classification Sherloc (09022015). Collection method: clinical testing. Allele origin: germline.
Comment: This sequence change replaces proline, which is neutral and non-polar, with leucine, which is neutral and non-polar, at codon 780 of the PRX protein (p.Pro780Leu). This variant is present in population databases (rs371562775, gnomAD 0.007%). This variant has not been reported in the literature in individuals affected with PRX-related conditions. ClinVar contains an entry for this variant (Variation ID: 1522499). Algorithms developed to predict the effect of missense changes on protein structure and function are either unavailable or do not agree on the potential impact of this missense change (SIFT: "Deleterious"; PolyPhen-2: "Possibly Damaging"; Align-GVGD: "Class C15"). In summary, the available evidence is currently insufficient to determine the role of this variant in disease. Therefore, it has been classified as a Variant of Uncertain Significance.